The following is an entry in ClinVar:

ClinVar aggregate classification (germline): Likely benign. Review status: criteria provided, multiple submitters, no conflicts (2 of 4 stars). 4 submissions from 4 submitters: Likely benign (4). Last evaluated 2024-03-24.

Conditions:
Familial thoracic aortic aneurysm and aortic dissection (TAAD). Also called: Thoracic aortic aneurysms and dissections. Identifiers: Orphanet 91387, MedGen C4707243, MONDO:0019625.
Marfan syndrome (MFS). Also called: FBN1-Related Marfan Syndrome; Marfan syndrome type 1; Marfan's syndrome; Marfan syndrome, classic; MARFAN SYNDROME, TYPE I. Identifiers: Orphanet 284963, Orphanet 558, MedGen C0024796, MONDO:0007947, OMIM 154700.

Allele frequency attached by ClinVar (database versions not stated): ExAC 0.00001; gnomAD exomes 0.00001 and below 0.00001.

Submissions (4):

All of Us Research Program, National Institutes of Health
Classification: Likely benign for Marfan syndrome. Last evaluated: 2024-03-24. Review status: criteria provided, single submitter. Criteria: ACMG Guidelines, 2015. Collection method: clinical testing. Allele origin: germline. Inheritance: Autosomal dominant inheritance. Observed: 3 variant alleles, 3 heterozygotes.
Comment: This study involves interpretation of variants in research participants for the purpose of population health screening. Participant phenotype was not available at the time of variant classification. Additional details can be found in publication PMID: 35346344, PMCID: PMC8962531

Blueprint Genetics
Classification: Likely benign. Last evaluated: 2023-09-15. Review status: criteria provided, single submitter. Criteria: ACMG Guidelines, 2015. Collection method: clinical testing. Allele origin: germline.

Labcorp Genetics (formerly Invitae), Labcorp
Classification: Likely benign for Marfan syndrome; Familial thoracic aortic aneurysm and aortic dissection. Last evaluated: 2022-06-15. Review status: criteria provided, single submitter. Criteria: Invitae Variant Classification Sherloc (09022015). Collection method: clinical testing. Allele origin: germline.

Color Diagnostics, LLC DBA Color Health
Classification: Likely benign for Familial thoracic aortic aneurysm and aortic dissection. Last evaluated: 2018-08-31. Review status: criteria provided, single submitter. Criteria: ACMG Guidelines, 2015. Collection method: clinical testing. Allele origin: germline.

NM_000138.5(FBN1):c.1589-8G>T

Gene: FBN1 (fibrillin 1; minus strand). Cytogenetic location: 15q21.1.
Variant type: single nucleotide variant.
Coding change: c.1589-8G>T on transcript NM_000138.5 (MANE Select); 8 bases into the intron before coding-DNA position 1589, G replaced by T.
Molecular consequence: intron variant.
Genome position (GRCh38, 1-based): chr15:48,510,177, C>A on the plus strand (G>T on the coding strand, the complement: FBN1 is on the minus strand). VCF-style: chr15-48510177-C-A. GRCh37 (hg19) VCF-style: chr15-48802374-C-A.
Identifiers: ClinVar variation 629176 (VCV000629176.9), dbSNP rs779629563, ClinGen allele CA045231.